The following is an entry in ClinVar:

NM_000038.6(APC):c.3229G>A (p.Val1077Ile)

Gene: APC (APC regulator of Wnt signaling pathway; plus strand). Cytogenetic location: 5q22.2.
Variant type: single nucleotide variant.
Coding change: c.3229G>A on transcript NM_000038.6 (MANE Select); coding-DNA position 3229, G replaced by A.
Protein change: p.Val1077Ile; replaces valine 1077 with isoleucine.
Molecular consequence: missense variant.
Genome position (GRCh38, 1-based): chr5:112,838,823, G>A. VCF-style: chr5-112838823-G-A. GRCh37 (hg19) VCF-style: chr5-112174520-G-A.
Other names: c.3229G>A, p.Val1077Ile (NM_001127510.3, NM_001354895.2); c.3175G>A, p.Val1059Ile (NM_001127511.3); c.3283G>A, p.Val1095Ile (NM_001354896.2); c.3259G>A, p.Val1087Ile (NM_001354897.2); c.3154G>A, p.Val1052Ile (NM_001354898.2); c.3145G>A, p.Val1049Ile (NM_001354899.2); c.3106G>A, p.Val1036Ile (NM_001354900.2); c.3052G>A, p.Val1018Ile (NM_001354901.2); and 5 more; short protein forms V1036I, V794I, V1052I, V1077I, V1095I, V1018I, V951I, V976I.
Identifiers: ClinVar variation 856758 (VCV000856758.49), dbSNP rs1332655563, ClinGen allele CA16028415.
Genomic context (GRCh38, chr5:112,838,823, plus strand): 5'-GAAGATGAAATAAAACAAAGTGAGCAAAGACAATCAAGGAATCAAAGTACAACTTATCCT[G>A]TTTATACTGAGAGCACTGATGATAAACACCTCAAGTTCCAACCACATTTTGGACAGCAGG-3'
Protein context (NP_000029.2, residues 1067-1087): QSRNQSTTYP[Val1077Ile]YTESTDDKHL

ClinVar aggregate classification (germline): Uncertain significance (1 of 4 stars; one submission).

Conditions:
Familial adenomatous polyposis 1 (FAP1). Also called: FAMILIAL ADENOMATOUS POLYPOSIS 1, ATTENUATED; POLYPOSIS, ADENOMATOUS INTESTINAL. Identifiers: MedGen C2713442, MONDO:0021056, OMIM 175100. Disease mechanism: loss of function.

Submission:

Labcorp Genetics (formerly Invitae), Labcorp
Classification: Uncertain significance for Familial adenomatous polyposis 1. Last evaluated: 2025-03-04. Review status: criteria provided, single submitter. Criteria: Invitae Variant Classification Sherloc (09022015). Collection method: clinical testing. Allele origin: germline.
Comment: This sequence change replaces valine, which is neutral and non-polar, with isoleucine, which is neutral and non-polar, at codon 1077 of the APC protein (p.Val1077Ile). This variant is not present in population databases (gnomAD no frequency). This variant has not been reported in the literature in individuals affected with APC-related conditions. ClinVar contains an entry for this variant (Variation ID: 856758). Invitae Evidence Modeling of protein sequence and biophysical properties (such as structural, functional, and spatial information, amino acid conservation, physicochemical variation, residue mobility, and thermodynamic stability) indicates that this missense variant is not expected to disrupt APC protein function with a negative predictive value of 95%. In summary, the available evidence is currently insufficient to determine the role of this variant in disease. Therefore, it has been classified as a Variant of Uncertain Significance.